The following is an entry in ClinVar:

ClinVar aggregate classification (germline): Uncertain significance (1 of 4 stars; one submission).

Submission:

GeneDx
Classification: Uncertain significance. Last evaluated: 2024-06-17. Review status: criteria provided, single submitter. Criteria: GeneDx Variant Classification Process June 2021. Collection method: clinical testing. Allele origin: germline. Affected: yes.
Comment: Not observed at significant frequency in large population cohorts (gnomAD); In silico analysis supports that this missense variant has a deleterious effect on protein structure/function; Has not been previously published as pathogenic or benign to our knowledge; This variant is associated with the following publications: (PMID: 18184292)

NM_000702.4(ATP1A2):c.1568A>T (p.Lys523Met)

Gene: ATP1A2 (ATPase Na+/K+ transporting subunit alpha 2; plus strand). Cytogenetic location: 1q23.2.
Variant type: single nucleotide variant.
Coding change: c.1568A>T on transcript NM_000702.4 (MANE Select); coding-DNA position 1568, A replaced by T.
Protein change: p.Lys523Met; replaces lysine 523 with methionine.
Molecular consequence: missense variant.
Genome position (GRCh38, 1-based): chr1:160,130,208, A>T. VCF-style: chr1-160130208-A-T. GRCh37 (hg19) VCF-style: chr1-160099998-A-T.
Other names: short protein forms K523M.
Identifiers: ClinVar variation 2575623 (VCV002575623.2), dbSNP rs2524872370, ClinGen allele CA343243319.